The following is an entry in ClinVar:

NM_005334.3(HCFC1):c.2593G>A (p.Val865Ile)

Gene: HCFC1 (host cell factor C1; minus strand). Cytogenetic location: Xq28.
Variant type: single nucleotide variant.
Coding change: c.2593G>A on transcript NM_005334.3 (MANE Select); coding-DNA position 2593, G replaced by A.
Protein change: p.Val865Ile; replaces valine 865 with isoleucine.
Molecular consequence: missense variant.
Genome position (GRCh38, 1-based): chrX:153,956,667, C>T on the plus strand (G>A on the coding strand, the complement: HCFC1 is on the minus strand). VCF-style: chrX-153956667-C-T. GRCh37 (hg19) VCF-style: chrX-153222118-C-T.
Other names: c.2593G>A, p.Val865Ile (NM_001410705.1, NM_001440843.1, NM_001440844.1 and 5 more transcripts); c.2395G>A, p.Val799Ile (NM_001440850.1, NM_001440851.1); short protein forms V799I, V865I.
Identifiers: ClinVar variation 4885524 (VCV004885524.2).

ClinVar aggregate classification (germline): Uncertain significance (1 of 4 stars; one submission).

gnomAD v4.1: 1 of 1,211,397 alleles (0.000083%); highest among the groups gnomAD compares: Non-Finnish European, 0.00011%; no homozygotes.

Submission:

Dasa
Classification: Uncertain significance. Last evaluated: 2025-01-06. Review status: criteria provided, single submitter. Criteria: DASA Assertion Criteria. Collection method: clinical testing. Allele origin: germline.
Comment: NM_005334.3(HCFC1):c.2593G>A (p.Val865Ile) is a missense variant that results in the substitution of valine with isoleucine. This variant is rare in population databases. Computational prediction algorithms are consistent with a benign effect. The currently available literature and clinical evidence are not sufficient to establish a definitive association between this variant and the reported condition. Therefore, this variant is classified as a variant of uncertain significance.